The following is an entry in ClinVar:

NM_006915.3(RP2):c.352del (p.Arg118fs)

Gene: RP2 (RP2 activator of ARL3 GTPase; plus strand). Cytogenetic location: Xp11.3.
Variant type: Deletion.
Coding change: c.352del on transcript NM_006915.3 (MANE Select); coding-DNA position 352, one base deleted (C; older notation c.352delC).
Protein change: p.Arg118fs; shifts the reading frame from arginine 118.
Molecular consequence: frameshift variant.
Genome position (GRCh38, 1-based): chrX:46,853,725, C deleted. VCF-style (leftmost placement, unchanged base first): chrX-46853724-TC-T. GRCh37 (hg19) VCF-style: chrX-46713159-TC-T.
Other names: short protein forms R118fs.
Identifiers: ClinVar variation 167608 (VCV000167608.6), dbSNP rs797044507, ClinGen allele CA273364.

ClinVar aggregate classification (germline): Pathogenic. Review status: criteria provided, multiple submitters, no conflicts (2 of 4 stars). 2 submissions from 2 submitters: Pathogenic (2). Last evaluated 2025-05-23.

Submissions (2):

Labcorp Genetics (formerly Invitae), Labcorp
Classification: Pathogenic. Last evaluated: 2025-05-23. Review status: criteria provided, single submitter. Criteria: Invitae Variant Classification Sherloc (09022015). Collection method: clinical testing. Allele origin: germline.
Comment: This sequence change creates a premature translational stop signal (p.Arg118Valfs*38) in the RP2 gene. It is expected to result in an absent or disrupted protein product. Loss-of-function variants in RP2 are known to be pathogenic (PMID: 11992260, 20625056). This variant is not present in population databases (gnomAD no frequency). This variant has not been reported in the literature in individuals affected with RP2-related conditions. ClinVar contains an entry for this variant (Variation ID: 167608). For these reasons, this variant has been classified as Pathogenic.

Eurofins Ntd Llc (ga)
Classification: Pathogenic. Last evaluated: 2014-04-21. Review status: criteria provided, single submitter. Criteria: EGL Classification Definitions 2015. Collection method: clinical testing. Allele origin: germline. Observed: 2 variant alleles, 2 heterozygotes.

Literature cited by the submitters: PubMed 11992260 (cited by Labcorp Genetics (formerly Invitae), Labcorp); PubMed 20625056 (cited by Labcorp Genetics (formerly Invitae), Labcorp).